The following is an entry in ClinVar:

NM_176824.3(BBS7):c.601+1G>A

Gene: BBS7 (Bardet-Biedl syndrome 7; minus strand). Cytogenetic location: 4q27.
Variant type: single nucleotide variant.
Coding change: c.601+1G>A on transcript NM_176824.3 (MANE Select); the canonical splice donor site of the intron after coding-DNA position 601, G replaced by A.
Molecular consequence: splice donor variant.
Genome position (GRCh38, 1-based): chr4:121,855,488, C>T on the plus strand (G>A on the coding strand, the complement: BBS7 is on the minus strand). VCF-style: chr4-121855488-C-T. GRCh37 (hg19) VCF-style: chr4-122776643-C-T.
Other names: c.601+1G>A (NM_018190.4).
Identifiers: ClinVar variation 2634261 (VCV002634261.2), dbSNP rs1272877615, ClinGen allele CA358066465.
Genomic context (GRCh38, chr4:121,855,488, plus strand): 5'-TCCCATTTTCACTTACTATTAAAACACATAGTTGATTTGTGAAAAATAAAATCCTGATTA[C>T]CGCCATTTCCATTGTGTAGTGCTAAGACAGTAGGGGGTCCAGGAACTTCAACTGCATACA-3'

ClinVar aggregate classification (germline): Likely pathogenic (1 of 4 stars; one submission).

Conditions:
BBS7-related disorder. Also called: BBS7-related condition.

Allele frequency attached by ClinVar (database versions not stated): gnomAD 0.00001; TOPMed 0.00002.
gnomAD v4.1: 4 of 1,612,360 alleles (0.00025%); highest among the groups gnomAD compares: African/African-American, 0.004%; no homozygotes.

Submission:

PreventionGenetics, part of Exact Sciences
Classification: Likely pathogenic for BBS7-related condition. Last evaluated: 2022-11-23. Review status: criteria provided, single submitter. Criteria: ACMG Guidelines, 2015. Collection method: clinical testing. Allele origin: germline.
Comment: The BBS7 c.601+1G>A variant is predicted to disrupt the GT donor site and interfere with normal splicing. To our knowledge, this variant has not been reported in the literature or in a large population database, indicating this variant is rare. Variants that disrupt the consensus splice donor site in BBS7 are expected to be pathogenic. This variant is interpreted as likely pathogenic.